The following is an entry in ClinVar:

NM_003001.5(SDHC):c.223G>C (p.Gly75Arg)

Gene: SDHC (succinate dehydrogenase complex subunit C; plus strand). Cytogenetic location: 1q23.3.
Variant type: single nucleotide variant.
Coding change: c.223G>C on transcript NM_003001.5 (MANE Select); coding-DNA position 223, G replaced by C.
Protein change: p.Gly75Arg; replaces glycine 75 with arginine.
Molecular consequence: missense variant.
Genome position (GRCh38, 1-based): chr1:161,340,637, G>C. VCF-style: chr1-161340637-G-C. GRCh37 (hg19) VCF-style: chr1-161310427-G-C.
Other names: c.223G>C, p.Gly75Arg (NM_001035511.3); c.121G>C, p.Gly41Arg (NM_001035512.3, NM_001278172.3, NM_001407118.1); c.64G>C, p.Gly22Arg (NM_001035513.3); c.343G>C, p.Gly115Arg (NM_001407115.1); c.166G>C, p.Gly56Arg (NM_001407116.1, NM_001407117.1, NM_001407121.1); c.112G>C, p.Gly38Arg (NM_001407119.1, NM_001407120.1); short protein forms G75R, G22R, G41R, G38R, G115R, G56R.
Identifiers: ClinVar variation 486434 (VCV000486434.6), dbSNP rs867966048, ClinGen allele CA343366003.

ClinVar aggregate classification (germline): Likely pathogenic (1 of 4 stars; one submission).

Conditions:
Hereditary cancer-predisposing syndrome. Also called: Tumor predisposition; Hereditary Cancer Syndrome; Hereditary neoplastic syndrome; Neoplastic Syndromes, Hereditary. Identifiers: Orphanet 140162, MedGen C0027672, MeSH D009386, MONDO:0015356.

Submission:

Ambry Genetics
Classification: Likely pathogenic for Hereditary cancer-predisposing syndrome. Last evaluated: 2017-07-20. Review status: criteria provided, single submitter. Criteria: Ambry Variant Classification Scheme 2023. Collection method: clinical testing. Allele origin: germline.
Comment: The p.G75R variant (also known as c.223G>C), located in coding exon 4 of the SDHC gene, results from a G to C substitution at nucleotide position 223. The glycine at codon 75 is replaced by arginine, an amino acid with dissimilar properties. A different subtistution at this codon, p.G75D, has been described in numerous individuals with paraganglioma and or gastrointestinal stromal tumor. This amino acid position is highly conserved in available vertebrate species. In addition, this alteration is predicted to be deleterious by in silico analysis. Based on internal structural assessment, this alteration results in impaired folding around the heme cofactor (Ambry Internal Data). Since supporting evidence is limited at this time, the clinical significance of this alteration remains unclear.